The following is an entry in ClinVar:

ClinVar aggregate classification (germline): Uncertain significance (1 of 4 stars; one submission).

Conditions:
Bloom syndrome (BLM). Also called: Bloom-Torre-Machacek syndrome. Identifiers: Orphanet 125, MedGen C0005859, MONDO:0008876, OMIM 210900.

Submission:

Labcorp Genetics (formerly Invitae), Labcorp
Classification: Uncertain significance for Bloom syndrome. Last evaluated: 2025-02-19. Review status: criteria provided, single submitter. Criteria: Invitae Variant Classification Sherloc (09022015). Collection method: clinical testing. Allele origin: germline.
Comment: This sequence change replaces asparagine, which is neutral and polar, with lysine, which is basic and polar, at codon 82 of the BLM protein (p.Asn82Lys). This variant is not present in population databases (gnomAD no frequency). This variant has not been reported in the literature in individuals affected with BLM-related conditions. An algorithm developed to predict the effect of missense changes on protein structure and function outputs the following: PolyPhen-2: "Benign". The lysine amino acid residue is found in multiple mammalian species, which suggests that this missense change does not adversely affect protein function. In summary, the available evidence is currently insufficient to determine the role of this variant in disease. Therefore, it has been classified as a Variant of Uncertain Significance.

NM_000057.4(BLM):c.246T>G (p.Asn82Lys)

Gene: BLM (BLM RecQ like helicase; plus strand). Cytogenetic location: 15q26.1.
Variant type: single nucleotide variant.
Coding change: c.246T>G on transcript NM_000057.4 (MANE Select); coding-DNA position 246, T replaced by G.
Protein change: p.Asn82Lys; replaces asparagine 82 with lysine.
Molecular consequence: missense variant. On other transcripts: 5 prime UTR variant (1).
Genome position (GRCh38, 1-based): chr15:90,749,514, T>G. VCF-style: chr15-90749514-T-G. GRCh37 (hg19) VCF-style: chr15-91292744-T-G.
Other names: c.246T>G, p.Asn82Lys (NM_001287246.2, NM_001287247.2); c.-1046T>G (NM_001287248.2); short protein forms N82K.
Identifiers: ClinVar variation 4713460 (VCV004713460.1).